The following is an entry in ClinVar:

ClinVar aggregate classification (germline): Uncertain significance (1 of 4 stars; one submission).

Allele frequency attached by ClinVar (database versions not stated): gnomAD exomes 0.00001; ExAC 0.00002.
gnomAD v4.1: 8 of 1,614,146 alleles (0.0005%); highest among the groups gnomAD compares: South Asian, 0.0088%; no homozygotes.

Submission:

Labcorp Genetics (formerly Invitae), Labcorp
Classification: Uncertain significance. Last evaluated: 2022-08-22. Review status: criteria provided, single submitter. Criteria: Invitae Variant Classification Sherloc (09022015). Collection method: clinical testing. Allele origin: germline.
Comment: This sequence change replaces serine, which is neutral and polar, with asparagine, which is neutral and polar, at codon 324 of the ADNP protein (p.Ser324Asn). This variant is present in population databases (rs749526904, gnomAD 0.02%). This variant has not been reported in the literature in individuals affected with ADNP-related conditions. Algorithms developed to predict the effect of missense changes on protein structure and function output the following: SIFT: "Not Available"; PolyPhen-2: "Benign"; Align-GVGD: "Not Available". The asparagine amino acid residue is found in multiple mammalian species, which suggests that this missense change does not adversely affect protein function. In summary, the available evidence is currently insufficient to determine the role of this variant in disease. Therefore, it has been classified as a Variant of Uncertain Significance.

NM_001282531.3(ADNP):c.971G>A (p.Ser324Asn)

Gene: ADNP (activity dependent neuroprotector homeobox; minus strand). Cytogenetic location: 20q13.13.
Variant type: single nucleotide variant.
Coding change: c.971G>A on transcript NM_001282531.3 (MANE Select); coding-DNA position 971, G replaced by A.
Protein change: p.Ser324Asn; replaces serine 324 with asparagine.
Molecular consequence: missense variant.
Genome position (GRCh38, 1-based): chr20:50,893,743, C>T on the plus strand (G>A on the coding strand, the complement: ADNP is on the minus strand). VCF-style: chr20-50893743-C-T. GRCh37 (hg19) VCF-style: chr20-49510280-C-T.
Other names: c.971G>A, p.Ser324Asn (NM_001282532.2, NM_001347511.2, NM_015339.5 and 1 more transcripts); short protein forms S324N.
Identifiers: ClinVar variation 1719722 (VCV001719722.5), dbSNP rs749526904, ClinGen allele CA9908807.